The following is an entry in ClinVar:

ClinVar aggregate classification (germline): Uncertain significance. Review status: criteria provided, multiple submitters, no conflicts (2 of 4 stars). 2 submissions from 2 submitters: Uncertain significance (2). Last evaluated 2025-03-12.

Allele frequency attached by ClinVar (database versions not stated): gnomAD exomes 0.00001; TOPMed 0.00001; ExAC 0.00002; gnomAD 0.00002; 1000 Genomes Project 30x 0.00016; 1000 Genomes Project 0.00020.
gnomAD v4.1: 10 of 1,610,686 alleles (0.00062%); highest among the groups gnomAD compares: East Asian, 0.022%; no homozygotes.

Submissions (2):

Labcorp Genetics (formerly Invitae), Labcorp
Classification: Uncertain significance. Last evaluated: 2025-03-12. Review status: criteria provided, single submitter. Criteria: Invitae Variant Classification Sherloc (09022015). Collection method: clinical testing. Allele origin: germline.
Comment: This sequence change replaces histidine, which is basic and polar, with asparagine, which is neutral and polar, at codon 1593 of the DMXL2 protein (p.His1593Asn). This variant is present in population databases (rs527696648, gnomAD 0.03%). This variant has not been reported in the literature in individuals affected with DMXL2-related conditions. ClinVar contains an entry for this variant (Variation ID: 2177931). An algorithm developed to predict the effect of missense changes on protein structure and function (PolyPhen-2) suggests that this variant is likely to be disruptive. In summary, the available evidence is currently insufficient to determine the role of this variant in disease. Therefore, it has been classified as a Variant of Uncertain Significance.

Blueprint Genetics
Classification: Uncertain significance. Last evaluated: 2021-12-03. Review status: criteria provided, single submitter. Criteria: ACMG Guidelines, 2015. Collection method: clinical testing. Allele origin: germline.

NM_001378457.1(DMXL2):c.4777C>A (p.His1593Asn)

Gene: DMXL2 (Dmx like 2; minus strand). Cytogenetic location: 15q21.2.
Variant type: single nucleotide variant.
Coding change: c.4777C>A on transcript NM_001378457.1 (MANE Select); coding-DNA position 4777, C replaced by A.
Protein change: p.His1593Asn; replaces histidine 1593 with asparagine.
Molecular consequence: missense variant. On other transcripts: non-coding transcript variant (2), intron variant (1).
Genome position (GRCh38, 1-based): chr15:51,495,030, G>T on the plus strand (C>A on the coding strand, the complement: DMXL2 is on the minus strand). VCF-style: chr15-51495030-G-T. GRCh37 (hg19) VCF-style: chr15-51787227-G-T.
Other names: c.4777C>A, p.His1593Asn (NM_001174116.3, NM_001378458.1, NM_001378459.1 and 4 more transcripts); c.2869C>A, p.His957Asn (NM_001174117.3); c.4537C>A, p.His1513Asn (NM_001378464.1); c.2765-3283C>A (NM_001378460.1); short protein forms H1513N, H957N, H1593N.
Identifiers: ClinVar variation 2177931 (VCV002177931.4), dbSNP rs527696648, ClinGen allele CA7561959.
Genomic context (GRCh38, chr15:51,495,030, plus strand): 5'-TCGCTCCAATATTAAGTAAAAGTTGTGCAAAGCTTCAAACAGTGAGTGAATTACCTTGAT[G>T]AAGTAGCTGCACTCGGTATAAAGGAGGCAGCGATGTCAAAAGGCATGTGTGTAGGCGCAT-3'
Protein context (NP_001365386.1, residues 1583-1603): LPPLYRVQLL[His1593Asn]QGVSTCHFAW